The following is an entry in ClinVar:

NM_000742.4(CHRNA2):c.*285G>C

Gene: CHRNA2 (cholinergic receptor nicotinic alpha 2 subunit; minus strand). Cytogenetic location: 8p21.2.
Variant type: single nucleotide variant.
Coding change: c.*285G>C on transcript NM_000742.4 (MANE Select); 285 bases downstream of the stop codon, G replaced by C.
Molecular consequence: 3 prime UTR variant.
Genome position (GRCh38, 1-based): chr8:27,461,344, C>G on the plus strand (G>C on the coding strand, the complement: CHRNA2 is on the minus strand). VCF-style: chr8-27461344-C-G. GRCh37 (hg19) VCF-style: chr8-27318861-C-G.
Other names: c.*285G>C (NM_001347707.2, NM_001347708.2, NM_001282455.2 and 2 more transcripts).
Identifiers: ClinVar variation 362690 (VCV000362690.7), dbSNP rs111565880, ClinGen allele CA10625278.

ClinVar aggregate classification (germline): Benign/Likely benign. Review status: criteria provided, multiple submitters, no conflicts (2 of 4 stars). 2 submissions from 2 submitters: Benign (1); Likely benign (1). Last evaluated 2018-06-28.

Conditions:
Autosomal dominant nocturnal frontal lobe epilepsy 4. Also called: EPILEPSY, FAMILIAL, WITH NOCTURNAL WANDERING AND ICTAL FEAR; CHRNA2-Related Nocturnal Frontal Lobe Epilepsy, Autosomal Dominant. Identifiers: Orphanet 98784, MedGen C1835905, MONDO:0012474, OMIM 610353.

Allele frequency attached by ClinVar (database versions not stated): gnomAD 0.00346 and 0.00356; 1000 Genomes Project 30x 0.00593; TOPMed 0.00374; 1000 Genomes Project 0.00539.

Submissions (2):

GeneDx
Classification: Likely benign. Last evaluated: 2018-06-28. Review status: criteria provided, single submitter. Criteria: GeneDx Variant Classification Process June 2021. Collection method: clinical testing. Allele origin: germline. Affected: yes.

Illumina Laboratory Services, Illumina
Classification: Benign for Autosomal dominant nocturnal frontal lobe epilepsy 4. Last evaluated: 2018-01-12. Review status: criteria provided, single submitter. Criteria: ICSL Variant Classification Criteria 13 December 2019. Collection method: clinical testing. Allele origin: germline.
Comment: This variant was observed in the ICSL laboratory as part of a predisposition screen in an ostensibly healthy population. It had not been previously curated by ICSL or reported in the Human Gene Mutation Database (HGMD: prior to June 1st, 2018), and was therefore a candidate for classification through an automated scoring system. Utilizing variant allele frequency, disease prevalence and penetrance estimates, and inheritance mode, an automated score was calculated to assess if this variant is too frequent to cause the disease. Based on the score and internal cut-off values, a variant classified as benign is not then subjected to further curation. The score for this variant resulted in a classification of benign for this disease.